The following is an entry in ClinVar:

NM_025077.4(TOE1):c.325C>A (p.Pro109Thr)

Gene: TOE1 (target of EGR1, exonuclease; plus strand). Cytogenetic location: 1p34.1.
Variant type: single nucleotide variant.
Coding change: c.325C>A on transcript NM_025077.4 (MANE Select); coding-DNA position 325, C replaced by A.
Protein change: p.Pro109Thr; replaces proline 109 with threonine.
Molecular consequence: missense variant.
Genome position (GRCh38, 1-based): chr1:45,341,561, C>A. VCF-style: chr1-45341561-C-A. GRCh37 (hg19) VCF-style: chr1-45807233-C-A.
Other names: short protein forms P109T.
Identifiers: ClinVar variation 1389491 (VCV001389491.6), dbSNP rs1234401145, ClinGen allele CA340138929.

ClinVar aggregate classification (germline): Uncertain significance (1 of 4 stars; one submission).

Allele frequency attached by ClinVar (database versions not stated): gnomAD exomes below 0.00001.
gnomAD v4.1: 1 of 1,613,230 alleles (0.000062%); highest among the groups gnomAD compares: Middle Eastern, 0.016%; no homozygotes.

Submission:

Labcorp Genetics (formerly Invitae), Labcorp
Classification: Uncertain significance. Last evaluated: 2021-10-28. Review status: criteria provided, single submitter. Criteria: Invitae Variant Classification Sherloc (09022015). Collection method: clinical testing. Allele origin: germline.
Comment: Algorithms developed to predict the effect of missense changes on protein structure and function (SIFT, PolyPhen-2, Align-GVGD) all suggest that this variant is likely to be tolerated. This variant has not been reported in the literature in individuals affected with TOE1-related conditions. This variant is not present in population databases (gnomAD no frequency). This sequence change replaces proline, which is neutral and non-polar, with threonine, which is neutral and polar, at codon 109 of the TOE1 protein (p.Pro109Thr). In summary, the available evidence is currently insufficient to determine the role of this variant in disease. Therefore, it has been classified as a Variant of Uncertain Significance.